The following is an entry in ClinVar:

ClinVar aggregate classification (germline): Conflicting classifications of pathogenicity. Review status: criteria provided, conflicting classifications (1 of 4 stars). 2 submissions from 2 submitters: Pathogenic (1); Uncertain significance (1). Last evaluated 2026-03-05.

Conditions:
Developmental and epileptic encephalopathy, 28 (DEE28). Also called: Epileptic encephalopathy, early infantile, 28. Identifiers: Orphanet 442835, MedGen C4015519, MONDO:0014533, OMIM 616211.
Developmental and epileptic encephalopathy, 1 (DEE1). Also called: INFANTILE SPASM SYNDROME, X-LINKED 1; Epileptic encephalopathy, early infantile, 1; X-linked infantile spasms; West's syndrome; Tonic spasms with clustering, arrest of psychomotor development and hypsarrhythmia on EEG; X-Linked Infantile Spasm Syndrome. Identifiers: MedGen C3463992, MONDO:0010632, OMIM 308350. Disease mechanism: loss of function.
Autosomal recessive spinocerebellar ataxia 12. Also called: SPINOCEREBELLAR ATAXIA WITH MENTAL RETARDATION AND EPILEPSY. Identifiers: Orphanet 284282, MedGen C3280452, MONDO:0013687, OMIM 614322.

gnomAD v4.1: 2 of 1,614,098 alleles (0.00012%); highest among the groups gnomAD compares: Non-Finnish European, 0.000085%; no homozygotes.

Submissions (2):

Mendelics
Classification: Pathogenic for Developmental and epileptic encephalopathy, 28. Last evaluated: 2026-03-05. Review status: criteria provided, single submitter. Criteria: ACMG Guidelines, 2015. Collection method: clinical testing. Allele origin: unknown.
Comment: Likely pathogenic/Pathogenic according to ACMG criteria.

Labcorp Genetics (formerly Invitae), Labcorp
Classification: Uncertain significance for Developmental and epileptic encephalopathy, 1; Autosomal recessive spinocerebellar ataxia 12. Last evaluated: 2024-10-24. Review status: criteria provided, single submitter. Criteria: Invitae Variant Classification Sherloc (09022015). Collection method: clinical testing. Allele origin: germline.
Comment: This sequence change replaces histidine with proline at codon 147 of the WWOX protein (p.His147Pro). The histidine residue is highly conserved and there is a moderate physicochemical difference between histidine and proline. This variant is not present in population databases (gnomAD no frequency). This variant has not been reported in the literature in individuals affected with WWOX-related conditions. ClinVar contains an entry for this variant (Variation ID: 1359045). Invitae Evidence Modeling of protein sequence and biophysical properties (such as structural, functional, and spatial information, amino acid conservation, physicochemical variation, residue mobility, and thermodynamic stability) indicates that this missense variant is expected to disrupt WWOX protein function with a positive predictive value of 80%. In summary, the available evidence is currently insufficient to determine the role of this variant in disease. Therefore, it has been classified as a Variant of Uncertain Significance.

NM_016373.4(WWOX):c.440A>C (p.His147Pro)

Gene: WWOX (WW domain containing oxidoreductase; plus strand). Cytogenetic location: 16q23.1.
Variant type: single nucleotide variant.
Coding change: c.440A>C on transcript NM_016373.4 (MANE Select); coding-DNA position 440, A replaced by C.
Protein change: p.His147Pro; replaces histidine 147 with proline.
Molecular consequence: missense variant. On other transcripts: non-coding transcript variant (1).
Genome position (GRCh38, 1-based): chr16:78,164,213, A>C. VCF-style: chr16-78164213-A-C. GRCh37 (hg19) VCF-style: chr16-78198110-A-C.
Other names: c.101A>C, p.His34Pro (NM_001291997.2); c.440A>C, p.His147Pro (NM_130791.5); short protein forms H147P, H34P.
Identifiers: ClinVar variation 1359045 (VCV001359045.7), dbSNP rs188859796, ClinGen allele CA284506259.